The following is an entry in ClinVar:

NM_015450.3(POT1):c.880T>G (p.Ser294Ala)

Gene: POT1 (protection of telomeres 1; minus strand). Cytogenetic location: 7q31.33.
Variant type: single nucleotide variant.
Coding change: c.880T>G on transcript NM_015450.3 (MANE Select); coding-DNA position 880, T replaced by G.
Protein change: p.Ser294Ala; replaces serine 294 with alanine.
Molecular consequence: missense variant. On other transcripts: non-coding transcript variant (3).
Genome position (GRCh38, 1-based): chr7:124,851,941, A>C on the plus strand (T>G on the coding strand, the complement: POT1 is on the minus strand). VCF-style: chr7-124851941-A-C. GRCh37 (hg19) VCF-style: chr7-124491995-A-C.
Other names: c.487T>G, p.Ser163Ala (NM_001042594.2); short protein forms S163A, S294A.
Identifiers: ClinVar variation 3766369 (VCV003766369.1).
Genomic context (GRCh38, chr7:124,851,941, plus strand): 5'-TGTCGTCAGGTTCTGATTGACAGATAACATCTGAATGCTGATTGGCTGTCAAATTTGCAG[A>C]TTCTAAATCCCTATAATTGAAAGAATACAATTTCAAATTGCATAAAACAAAGTCAATATA-3'
Protein context (NP_056265.2, residues 284-304): DVDQLKKDLE[Ser294Ala]ANLTANQHSD

ClinVar aggregate classification (germline): Uncertain significance (1 of 4 stars; one submission).

Submission:

GeneDx
Classification: Uncertain significance. Last evaluated: 2024-08-27. Review status: criteria provided, single submitter. Criteria: GeneDx Variant Classification Process June 2021. Collection method: clinical testing. Allele origin: germline. Affected: yes.
Comment: Not observed at significant frequency in large population cohorts (gnomAD); In silico analysis indicates that this missense variant does not alter protein structure/function; Has not been previously published as pathogenic or benign to our knowledge